The following is an entry in ClinVar:

NM_001082538.3(TCTN1):c.1194T>C (p.Ser398=)

Gene: TCTN1 (tectonic family member 1; plus strand). Cytogenetic location: 12q24.11.
Variant type: single nucleotide variant.
Coding change: c.1194T>C on transcript NM_001082538.3 (MANE Select); coding-DNA position 1194, T replaced by C.
Protein change: p.Ser398=; no amino-acid change (serine 398 retained).
Molecular consequence: synonymous variant. On other transcripts: intron variant (2).
Genome position (GRCh38, 1-based): chr12:110,642,252, T>C. VCF-style: chr12-110642252-T-C. GRCh37 (hg19) VCF-style: chr12-111080057-T-C.
Other names: c.1194T>C, p.Ser398= (NM_001082537.3); c.1026T>C, p.Ser342= (NM_001173975.3); c.660T>C, p.Ser220= (NM_001319681.2); c.1152T>C, p.Ser384= (NM_024549.6); c.1010+625T>C (NM_001173976.2); c.1190+625T>C (NM_001319680.2).
Identifiers: ClinVar variation 3389726 (VCV003389726.14).

ClinVar aggregate classification (germline): Likely benign (1 of 4 stars; one submission).

gnomAD v4.1: 1 of 1,614,200 alleles (0.000062%); highest among the groups gnomAD compares: African/African-American, 0.0013%; no homozygotes.

Submission:

CeGaT Center for Human Genetics Tuebingen
Classification: Likely benign. Last evaluated: 2024-09-01. Review status: criteria provided, single submitter. Criteria: CeGaT Center For Human Genetics Tuebingen Variant Classification Criteria Version 2. Collection method: clinical testing. Allele origin: germline. Affected: yes. Observed: 1 variant allele.
Comment: TCTN1: BP4, BP7